The following is an entry in ClinVar:

NM_000053.4(ATP7B):c.4109C>T (p.Ser1370Phe)

Gene: ATP7B (ATPase copper transporting beta; minus strand). Cytogenetic location: 13q14.3.
Variant type: single nucleotide variant.
Coding change: c.4109C>T on transcript NM_000053.4 (MANE Select); coding-DNA position 4109, C replaced by T.
Protein change: p.Ser1370Phe; replaces serine 1370 with phenylalanine.
Molecular consequence: missense variant.
Genome position (GRCh38, 1-based): chr13:51,935,608, G>A on the plus strand (C>T on the coding strand, the complement: ATP7B is on the minus strand). VCF-style: chr13-51935608-G-A. GRCh37 (hg19) VCF-style: chr13-52509744-G-A.
Other names: c.3266C>T, p.Ser1089Phe (NM_001406547.1); c.2819C>T, p.Ser940Phe (NM_001406548.1); c.3488C>T, p.Ser1163Phe (NM_001005918.3); c.3776C>T, p.Ser1259Phe (NM_001243182.2); c.3875C>T, p.Ser1292Phe (NM_001330578.2, NM_001406527.1, NM_001406528.1); c.3857C>T, p.Ser1286Phe (NM_001330579.2, NM_001406531.1, NM_001406532.1); c.4109C>T, p.Ser1370Phe (NM_001406511.1, NM_001406512.1); c.4103C>T, p.Ser1368Phe (NM_001406513.1); and 21 more; short protein forms S1370F, S940F, S1089F, S1143F, S1154F, S1163F, S1176F, S1206F.
Identifiers: ClinVar variation 4815569 (VCV004815569.1).

ClinVar aggregate classification (germline): Likely pathogenic (1 of 4 stars; one submission).

Conditions:
Wilson disease (WND). Also called: Wilson's disease. Identifiers: Orphanet 905, MedGen C0019202, MONDO:0010200, OMIM 277900. Disease mechanism: loss of function.

gnomAD v4.1: 1 of 1,613,610 alleles (0.000062%); highest among the groups gnomAD compares: Non-Finnish European, 0.000085%; no homozygotes.

Submission:

Natera, Inc.
Classification: Likely pathogenic for Wilson disease. Last evaluated: 2024-06-14. Review status: criteria provided, single submitter. Criteria: Natera Variant Classification Schema (03/2026). Collection method: clinical testing. Allele origin: germline.
Comment: The c.4109C>T variant in ATP7B is a missense variant predicted to cause substitution of serine to phenylalanine at amino acid 1370. This variant is rare in the general population with a frequency below the threshold expected for the associated phenotype(s). This variant has been observed in one or more individuals affected with the associated recessive disease, as either homozygous or compound heterozygous with a second variant (PMID: 35220961). Computational prediction algorithms indicate this variant is likely to affect gene or protein function. Given the available evidence, this variant is classified as Likely Pathogenic.

Literature cited by the submitters: PubMed 35220961.